The following is an entry in ClinVar:

NM_001165963.4(SCN1A):c.1184C>A (p.Ala395Asp)

Gene: SCN1A (sodium voltage-gated channel alpha subunit 1; minus strand). Cytogenetic location: 2q24.3.
Variant type: single nucleotide variant.
Coding change: c.1184C>A on transcript NM_001165963.4 (MANE Select); coding-DNA position 1184, C replaced by A.
Protein change: p.Ala395Asp; replaces alanine 395 with aspartic acid.
Molecular consequence: missense variant. On other transcripts: 5 prime UTR variant (1), non-coding transcript variant (1).
Genome position (GRCh38, 1-based): chr2:166,046,963, G>T on the plus strand (C>A on the coding strand, the complement: SCN1A is on the minus strand). VCF-style: chr2-166046963-G-T. GRCh37 (hg19) VCF-style: chr2-166903473-G-T.
Other names: c.1184C>A, p.Ala395Asp (NM_001165964.3, NM_001202435.3, NM_001353948.2 and 10 more transcripts); c.-1242C>A (NM_001353961.2); c.1184C>A (NM_001165963.1); short protein forms A395D.
Identifiers: ClinVar variation 1916227 (VCV001916227.6), dbSNP rs759121197, ClinGen allele CA349071028.
Genomic context (GRCh38, chr2:166,046,963, plus strand): 5'-ATTAGGTAGAATGAGCCCAAGAAAATGACCAATACAAAAAATATCATGTACGTTTTCCCA[G>T]CAGCACGTAATGTCTGCAAACAAAAATATCAGAATTATTTCTCAATATTATTTCACTAAG-3'
Protein context (NP_001159435.1, residues 385-405): ENLYQLTLRA[Ala395Asp]GKTYMIFFVL

ClinVar aggregate classification (germline): Pathogenic/Likely pathogenic. Review status: criteria provided, multiple submitters, no conflicts (2 of 4 stars). 2 submissions from 2 submitters: Pathogenic (1); Likely pathogenic (1). Last evaluated 2025-01-15.

Conditions:
Early-infantile DEE. Also called: Early infantile epileptic encephalopathy; Ohtahara syndrome; Early infantile epileptic encephalopathy with suppression bursts. Identifiers: Orphanet 1934, MedGen C0393706, MONDO:0800491.

Submissions (2):

Labcorp Genetics (formerly Invitae), Labcorp
Classification: Pathogenic for Early-infantile DEE. Last evaluated: 2025-01-15. Review status: criteria provided, single submitter. Criteria: Invitae Variant Classification Sherloc (09022015). Collection method: clinical testing. Allele origin: germline.
Comment: This sequence change replaces alanine, which is neutral and non-polar, with aspartic acid, which is acidic and polar, at codon 395 of the SCN1A protein (p.Ala395Asp). This variant is not present in population databases (gnomAD no frequency). This missense change has been observed in individual(s) with autosomal dominant SCN1A-related conditions (PMID: 31765958). ClinVar contains an entry for this variant (Variation ID: 1916227). Invitae Evidence Modeling of protein sequence and biophysical properties (such as structural, functional, and spatial information, amino acid conservation, physicochemical variation, residue mobility, and thermodynamic stability) indicates that this missense variant is expected to disrupt SCN1A protein function with a positive predictive value of 95%. This variant disrupts the p.Ala395 amino acid residue in SCN1A. Other variant(s) that disrupt this residue have been observed in individuals with SCN1A-related conditions (PMID: 17347258; internal data), which suggests that this may be a clinically significant amino acid residue. For these reasons, this variant has been classified as Pathogenic.

GeneDx
Classification: Likely pathogenic. Last evaluated: 2024-04-25. Review status: criteria provided, single submitter. Criteria: GeneDx Variant Classification Process June 2021. Collection method: clinical testing. Allele origin: germline. Affected: yes.
Comment: Identified in a patient with Dravet syndrome; comprehensive genetic testing and segregation studies were not performed (PMID: 31765958); This substitution is predicted to be within the extracellular loop between the S5 and S6 transmembrane segments of the first homologous domain; Not observed in large population cohorts (gnomAD); In silico analysis supports that this missense variant has a deleterious effect on protein structure/function; This variant is associated with the following publications: (PMID: 31765958)

Literature cited by the submitters: PubMed 31765958 (cited by Labcorp Genetics (formerly Invitae), Labcorp); PubMed 17347258 (cited by Labcorp Genetics (formerly Invitae), Labcorp).